The following is an entry in ClinVar:

NM_172351.3(CD46):c.70A>C (p.Met24Leu)

Genes: CD46 (CD46 molecule; plus strand), LOC129932405 (ATAC-STARR-seq lymphoblastoid active region 2449; plus strand). Cytogenetic location: 1q32.2.
Variant type: single nucleotide variant.
Coding change: c.70A>C on transcript NM_172351.3 (MANE Select); coding-DNA position 70, A replaced by C.
Protein change: p.Met24Leu; replaces methionine 24 with leucine.
Molecular consequence: missense variant.
Genome position (GRCh38, 1-based): chr1:207,752,282, A>C. VCF-style: chr1-207752282-A-C. GRCh37 (hg19) VCF-style: chr1-207925627-A-C.
Other names: c.70A>C, p.Met24Leu (NM_002389.4, NM_153826.4, NM_172350.3 and 8 more transcripts); short protein forms M24L.
Identifiers: ClinVar variation 3010146 (VCV003010146.3), dbSNP rs750342865, ClinGen allele CA344547825.

ClinVar aggregate classification (germline): Uncertain significance (1 of 4 stars; one submission).

gnomAD v4.1: 2 of 1,614,006 alleles (0.00012%); highest among the groups gnomAD compares: East Asian, 0.0022%; no homozygotes.

Submission:

Labcorp Genetics (formerly Invitae), Labcorp
Classification: Uncertain significance. Last evaluated: 2024-11-29. Review status: criteria provided, single submitter. Criteria: Invitae Variant Classification Sherloc (09022015). Collection method: clinical testing. Allele origin: germline.
Comment: This sequence change replaces methionine, which is neutral and non-polar, with leucine, which is neutral and non-polar, at codon 24 of the CD46 protein (p.Met24Leu). This variant is not present in population databases (gnomAD no frequency). This variant has not been reported in the literature in individuals affected with CD46-related conditions. ClinVar contains an entry for this variant (Variation ID: 3010146). An algorithm developed to predict the effect of missense changes on protein structure and function outputs the following: PolyPhen-2: "Benign". The leucine amino acid residue is found in multiple mammalian species, which suggests that this missense change does not adversely affect protein function. In summary, the available evidence is currently insufficient to determine the role of this variant in disease. Therefore, it has been classified as a Variant of Uncertain Significance.